The following is an entry in ClinVar:

NM_015338.6(ASXL1):c.2696T>C (p.Ile899Thr)

Gene: ASXL1 (ASXL transcriptional regulator 1; plus strand). Cytogenetic location: 20q11.21.
Variant type: single nucleotide variant.
Coding change: c.2696T>C on transcript NM_015338.6 (MANE Select); coding-DNA position 2696, T replaced by C.
Protein change: p.Ile899Thr; replaces isoleucine 899 with threonine.
Molecular consequence: missense variant.
Genome position (GRCh38, 1-based): chr20:32,435,408, T>C. VCF-style: chr20-32435408-T-C. GRCh37 (hg19) VCF-style: chr20-31023211-T-C.
Other names: c.2513T>C, p.Ile838Thr (NM_001363734.1); short protein forms I838T, I899T.
Identifiers: ClinVar variation 1714375 (VCV001714375.6), dbSNP rs766215027, ClinGen allele CA9808685.

ClinVar aggregate classification (germline): Conflicting classifications of pathogenicity. Review status: criteria provided, conflicting classifications (1 of 4 stars). 2 submissions from 2 submitters: Uncertain significance (1); Likely benign (1). Last evaluated 2025-07-21.

Conditions:
Inborn genetic diseases. Identifiers: MedGen C0950123, MeSH D030342.

Allele frequency attached by ClinVar (database versions not stated): gnomAD exomes below 0.00001; TOPMed below 0.00001; ExAC 0.00001.
gnomAD v4.1: 2 of 1,614,164 alleles (0.00012%); highest among the groups gnomAD compares: Admixed American, 0.0033%; no homozygotes.

Submissions (2):

Labcorp Genetics (formerly Invitae), Labcorp
Classification: Uncertain significance. Last evaluated: 2025-07-21. Review status: criteria provided, single submitter. Criteria: Invitae Variant Classification Sherloc (09022015). Collection method: clinical testing. Allele origin: germline.
Comment: This sequence change replaces isoleucine, which is neutral and non-polar, with threonine, which is neutral and polar, at codon 899 of the ASXL1 protein (p.Ile899Thr). This variant is present in population databases (rs766215027, gnomAD 0.006%). This variant has not been reported in the literature in individuals affected with ASXL1-related conditions. ClinVar contains an entry for this variant (Variation ID: 1714375). An algorithm developed to predict the effect of missense changes on protein structure and function outputs the following: PolyPhen-2: "Benign". The threonine amino acid residue is found in multiple mammalian species, which suggests that this missense change does not adversely affect protein function. In summary, the available evidence is currently insufficient to determine the role of this variant in disease. Therefore, it has been classified as a Variant of Uncertain Significance.

Ambry Genetics
Classification: Likely benign for Inborn genetic diseases. Last evaluated: 2025-03-31. Review status: criteria provided, single submitter. Criteria: Ambry Variant Classification Scheme 2023. Collection method: clinical testing. Allele origin: germline.